The following is an entry in ClinVar:

ClinVar aggregate classification (germline): Likely benign. Review status: criteria provided, multiple submitters, no conflicts (2 of 4 stars). 3 submissions from 3 submitters: Likely benign (3). Last evaluated 2026-02-01.

Allele frequency attached by ClinVar (database versions not stated): gnomAD 0.00011; gnomAD exomes 0.00013 and 0.00016; TOPMed 0.00013; ESP Exome Variant Server 0.00015; ExAC 0.00019.
gnomAD v4.1: 207 of 1,613,090 alleles (0.013%); highest among the groups gnomAD compares: Non-Finnish European, 0.016%; no homozygotes.

Submissions (3):

CeGaT Center for Human Genetics Tuebingen
Classification: Likely benign. Last evaluated: 2026-02-01. Review status: criteria provided, single submitter. Criteria: CeGaT Center For Human Genetics Tuebingen Variant Classification Criteria Version 2. Collection method: clinical testing. Allele origin: germline. Affected: yes. Observed: 4 variant alleles.
Comment: KATNIP: BP4, BP7

Labcorp Genetics (formerly Invitae), Labcorp
Classification: Likely benign. Last evaluated: 2026-01-12. Review status: criteria provided, single submitter. Criteria: Invitae Variant Classification Sherloc (09022015). Collection method: clinical testing. Allele origin: germline.

Blueprint Genetics
Classification: Likely benign. Last evaluated: 2024-11-26. Review status: criteria provided, single submitter. Criteria: ACMG Guidelines, 2015. Collection method: clinical testing. Allele origin: germline.

NM_015202.5(KATNIP):c.2760G>A (p.Pro920=)

Gene: KATNIP (katanin interacting protein; plus strand). Cytogenetic location: 16p12.1.
Variant type: single nucleotide variant.
Coding change: c.2760G>A on transcript NM_015202.5 (MANE Select); coding-DNA position 2760, G replaced by A.
Protein change: p.Pro920=; no amino-acid change (proline 920 retained).
Molecular consequence: synonymous variant.
Genome position (GRCh38, 1-based): chr16:27,749,720, G>A. VCF-style: chr16-27749720-G-A. GRCh37 (hg19) VCF-style: chr16-27761041-G-A.
Identifiers: ClinVar variation 1682063 (VCV001682063.34), dbSNP rs146341012, ClinGen allele CA7978060.